The following is an entry in ClinVar:

NM_004360.5(CDH1):c.837C>G (p.Thr279=)

Gene: CDH1 (cadherin 1; plus strand). Cytogenetic location: 16q22.1.
Variant type: single nucleotide variant.
Coding change: c.837C>G on transcript NM_004360.5 (MANE Select); coding-DNA position 837, C replaced by G.
Protein change: p.Thr279=; no amino-acid change (threonine 279 retained).
Molecular consequence: synonymous variant. On other transcripts: 5 prime UTR variant (2).
Genome position (GRCh38, 1-based): chr16:68,811,688, C>G. VCF-style: chr16-68811688-C-G. GRCh37 (hg19) VCF-style: chr16-68845591-C-G.
Other names: c.837C>G, p.Thr279= (NM_001317184.2); c.-779C>G (NM_001317185.2); c.-983C>G (NM_001317186.2).
Identifiers: ClinVar variation 3378953 (VCV003378953.1).
Genomic context (GRCh38, chr16:68,811,688, plus strand): 5'-TGACCCAGTCCCAAAGTGCAGCTTGTCTAAACCTTCATCTCCTTGAACTCTTCCAGGAAC[C>G]TCTGTGATGGAGGTCACAGCCACAGACGCGGACGATGATGTGAACACCTACAATGCCGCC-3'
Protein context (NP_004351.1, residues 269-289): GSVMEGALPG[Thr279=]SVMEVTATDA

ClinVar aggregate classification (germline): Benign (1 of 4 stars; one submission).

Conditions:
Hereditary diffuse gastric adenocarcinoma (HDGC). Also called: DIFFUSE GASTRIC AND LOBULAR BREAST CANCER SYNDROME. Identifiers: Orphanet 26106, MedGen C1708349, MONDO:0007648, OMIM 137215.

Submission:

Myriad Genetics, Inc.
Classification: Benign for Hereditary diffuse gastric adenocarcinoma. Last evaluated: 2024-09-16. Review status: criteria provided, single submitter. Criteria: Myriad Autosomal Dominant, Autosomal Recessive and X-Linked Classification Criteria (2023). Collection method: clinical testing. Allele origin: unknown.
Comment: This variant is considered benign. This variant is a silent/synonymous amino acid change and it is not expected to impact splicing.